The following is an entry in ClinVar:

NM_000601.6(HGF):c.1454T>C (p.Ile485Thr)

Gene: HGF (hepatocyte growth factor; minus strand). Cytogenetic location: 7q21.11.
Variant type: single nucleotide variant.
Coding change: c.1454T>C on transcript NM_000601.6 (MANE Select); coding-DNA position 1454, T replaced by C.
Protein change: p.Ile485Thr; replaces isoleucine 485 with threonine.
Molecular consequence: missense variant.
Genome position (GRCh38, 1-based): chr7:81,710,234, A>G on the plus strand (T>C on the coding strand, the complement: HGF is on the minus strand). VCF-style: chr7-81710234-A-G. GRCh37 (hg19) VCF-style: chr7-81339550-A-G.
Other names: c.1439T>C, p.Ile480Thr (NM_001010932.3); short protein forms I485T, I480T.
Identifiers: ClinVar variation 43608 (VCV000043608.4), dbSNP rs397516446, ClinGen allele CA132816.

ClinVar aggregate classification (germline): Uncertain significance (1 of 4 stars; one submission).

Allele frequency attached by ClinVar (database versions not stated): gnomAD exomes below 0.00001.
gnomAD v4.1: 2 of 1,611,368 alleles (0.00012%); highest among the groups gnomAD compares: Non-Finnish European, 0.00017%; no homozygotes.

Submission:

Laboratory for Molecular Medicine, Mass General Brigham Personalized Medicine
Classification: Uncertain significance. Last evaluated: 2013-03-01. Review status: criteria provided, single submitter. Criteria: LMM Criteria. Collection method: clinical testing. Allele origin: germline. Observed: 1 variant allele.
Comment: Variant classified as Uncertain Significance - Favor Benign. The Ile485Thr varia nt in HGF has not been reported in the literature or in large population studies , nor previously identified by our laboratory. The Ile485 residue is not highly conserved across species and computational analyses (biochemical amino acid prop erties, homology, PolyPhen2, AlignGVGD) do not provide strong support for pathog enicity. In summary, the clinical significance of this variant cannot be determi ned at this time; however, based upon lack of conservation, we would lean toward s a more likely benign interpretation.